The following is an entry in ClinVar:

ClinVar aggregate classification (germline): Uncertain significance. Review status: criteria provided, multiple submitters, no conflicts (2 of 4 stars). 2 submissions from 2 submitters: Uncertain significance (2). Last evaluated 2026-03-03.

Conditions:
Hereditary cancer-predisposing syndrome. Also called: Tumor predisposition; Neoplastic Syndromes, Hereditary; Hereditary Cancer Syndrome; Hereditary neoplastic syndrome. Identifiers: Orphanet 140162, MedGen C0027672, MeSH D009386, MONDO:0015356.
Breast-ovarian cancer, familial, susceptibility to, 1 (BROVCA1). Also called: BRCA1 Hereditary Breast and Ovarian Cancer; OVARIAN CANCER, SUSCEPTIBILITY TO. Identifiers: Orphanet 145, MedGen C2676676, MONDO:0011450, OMIM 604370. Disease mechanism: loss of function.

gnomAD v4.1: 1 of 1,613,654 alleles (0.000062%); highest among the groups gnomAD compares: East Asian, 0.0022%; no homozygotes.

Submissions (2):

Ambry Genetics
Classification: Uncertain significance for Hereditary cancer-predisposing syndrome. Last evaluated: 2026-03-03. Review status: criteria provided, single submitter. Criteria: Ambry Variant Classification Scheme 2023. Collection method: clinical testing. Allele origin: germline.
Comment: The p.E577D variant (also known as c.1731A>C), located in coding exon 9 of the BRCA1 gene, results from an A to C substitution at nucleotide position 1731. The glutamic acid at codon 577 is replaced by aspartic acid, an amino acid with highly similar properties. This amino acid position is highly conserved in available vertebrate species. In addition, the in silico prediction for this alteration is inconclusive. Based on the available evidence, the clinical significance of this variant remains unclear.

All of Us Research Program, National Institutes of Health
Classification: Uncertain significance for Breast-ovarian cancer, familial, susceptibility to, 1. Last evaluated: 2023-03-04. Review status: criteria provided, single submitter. Criteria: ACMG Guidelines, 2015. Collection method: clinical testing. Allele origin: germline. Inheritance: Autosomal dominant inheritance. Observed: 1 variant allele, 1 heterozygote.
Comment: This missense variant replaces glutamic acid with aspartic acid at codon 577 of the BRCA1 protein. Computational prediction is inconclusive regarding the impact of this variant on protein structure and function (internally defined REVEL score threshold 0.5 < inconclusive < 0.7, PMID: 27666373). To our knowledge, functional studies have not been reported for this variant. This variant has not been reported in individuals affected with hereditary cancer in the literature. This variant has not been identified in the general population by the Genome Aggregation Database (gnomAD). The available evidence is insufficient to determine the role of this variant in disease conclusively. Therefore, this variant is classified as a Variant of Uncertain Significance.

This study involves interpretation of variants in research participants for the purpose of population health screening. Participant phenotype was not available at the time of variant classification. Additional details can be found in publication PMID: 35346344, PMCID: PMC8962531

NM_007294.4(BRCA1):c.1731A>C (p.Glu577Asp)

Gene: BRCA1 (BRCA1 DNA repair associated; minus strand). Cytogenetic location: 17q21.31.
Variant type: single nucleotide variant.
Coding change: c.1731A>C on transcript NM_007294.4 (MANE Select); coding-DNA position 1731, A replaced by C.
Protein change: p.Glu577Asp; replaces glutamic acid 577 with aspartic acid.
Molecular consequence: missense variant. On other transcripts: intron variant (137).
Genome position (GRCh38, 1-based): chr17:43,093,800, T>G on the plus strand (A>C on the coding strand, the complement: BRCA1 is on the minus strand). VCF-style: chr17-43093800-T-G. GRCh37 (hg19) VCF-style: chr17-41245817-T-G.
Other names: c.1518A>C, p.Glu506Asp (NM_001407571.1, NM_001407894.1, NM_001407915.1 and 9 more transcripts); c.1731A>C, p.Glu577Asp (NM_001407581.1, NM_001407582.1, NM_001407583.1 and 30 more transcripts); c.1728A>C, p.Glu576Asp (NM_001407587.1, NM_001407590.1, NM_001407591.1 and 22 more transcripts); c.1722A>C, p.Glu574Asp (NM_001407646.1, NM_001407647.1); c.1608A>C, p.Glu536Asp (NM_001407648.1, NM_001407664.1, NM_001407939.1 and 19 more transcripts); c.1605A>C, p.Glu535Asp (NM_001407649.1, NM_001407940.1, NM_001407941.1 and 11 more transcripts); c.1653A>C, p.Glu551Asp (NM_001407653.1, NM_001407654.1, NM_001407655.1 and 4 more transcripts); c.1650A>C, p.Glu550Asp (NM_001407659.1, NM_001407660.1, NM_001407661.1 and 1 more transcripts); and 40 more; short protein forms E281D, E409D, E449D, E450D, E465D, E466D, E488D, E489D.
Identifiers: ClinVar variation 3069235 (VCV003069235.2), dbSNP rs28897678, ClinGen allele CA10598568.